The following is an entry in ClinVar:

NM_001378120.1(MBD5):c.4277C>A (p.Ser1426Tyr)

Gene: MBD5 (methyl-CpG binding domain protein 5; plus strand). Cytogenetic location: 2q23.1.
Variant type: single nucleotide variant.
Coding change: c.4277C>A on transcript NM_001378120.1 (MANE Select); coding-DNA position 4277, C replaced by A.
Protein change: p.Ser1426Tyr; replaces serine 1426 with tyrosine.
Molecular consequence: missense variant.
Genome position (GRCh38, 1-based): chr2:148,489,909, C>A. VCF-style: chr2-148489909-C-A. GRCh37 (hg19) VCF-style: chr2-149247478-C-A.
Other names: c.3578C>A (NM_018328.4); c.3578C>A, p.Ser1193Tyr (NM_018328.5); short protein forms S1193Y, S1426Y.
Identifiers: ClinVar variation 1717942 (VCV001717942.7), dbSNP rs777854328, ClinGen allele CA1900405.
Genomic context (GRCh38, chr2:148,489,909, plus strand): 5'-GGAAAAATGTGAACGAAGGAGATGGGTTTGAATATTTCAAGTCAGCAAGTTGCCACACAT[C>A]CAAAAAACAGTGGGACGGGGAGCAAAGCCCCAGAGGGGAGCGAAACAGGTGGAAGTACGA-3'
Protein context (NP_001365049.1, residues 1416-1436): EYFKSASCHT[Ser1426Tyr]KKQWDGEQSP

ClinVar aggregate classification (germline): Uncertain significance. Review status: criteria provided, multiple submitters, no conflicts (2 of 4 stars). 2 submissions from 2 submitters: Uncertain significance (2). Last evaluated 2025-06-25.

Conditions:
Intellectual developmental disorder, autosomal dominant 1. Also called: Intellectual disability, autosomal dominant 1; MBD5 Haploinsufficiency. Identifiers: Orphanet 228402, MedGen C1969562, MONDO:0007974, OMIM 156200.

Allele frequency attached by ClinVar (database versions not stated): gnomAD exomes below 0.00001; ExAC 0.00001.
gnomAD v4.1: 1 of 1,613,944 alleles (0.000062%); highest among the groups gnomAD compares: African/African-American, 0.0013%; no homozygotes.

Submissions (2):

GeneDx
Classification: Uncertain significance. Last evaluated: 2025-06-25. Review status: criteria provided, single submitter. Criteria: GeneDx Variant Classification Process June 2021. Collection method: clinical testing. Allele origin: germline. Affected: yes.
Comment: Has not been previously published as pathogenic or benign to our knowledge; In silico analysis suggests that this missense variant does not alter protein structure/function

Labcorp Genetics (formerly Invitae), Labcorp
Classification: Uncertain significance for Intellectual developmental disorder, autosomal dominant 1. Last evaluated: 2022-10-07. Review status: criteria provided, single submitter. Criteria: Invitae Variant Classification Sherloc (09022015). Collection method: clinical testing. Allele origin: germline.
Comment: Algorithms developed to predict the effect of missense changes on protein structure and function are either unavailable or do not agree on the potential impact of this missense change (SIFT: "Deleterious"; PolyPhen-2: "Not Available"; Align-GVGD: "Class C25"). In summary, the available evidence is currently insufficient to determine the role of this variant in disease. Therefore, it has been classified as a Variant of Uncertain Significance. This sequence change replaces serine, which is neutral and polar, with tyrosine, which is neutral and polar, at codon 1193 of the MBD5 protein (p.Ser1193Tyr). This variant is present in population databases (rs777854328, gnomAD 0.007%). This variant has not been reported in the literature in individuals affected with MBD5-related conditions.